The following is an entry in ClinVar:

NM_000059.4(BRCA2):c.7033del (p.Gln2345fs)

Gene: BRCA2 (BRCA2 DNA repair associated; plus strand). Cytogenetic location: 13q13.1.
Variant type: Deletion.
Coding change: c.7033del on transcript NM_000059.4 (MANE Select); coding-DNA position 7033, one base deleted (C; older notation c.7033delC).
Protein change: p.Gln2345fs; shifts the reading frame from glutamine 2345.
Molecular consequence: frameshift variant. On other transcripts: non-coding transcript variant (1).
Genome position (GRCh38, 1-based): chr13:32,354,886, C deleted. VCF-style (leftmost placement, unchanged base first): chr13-32354885-AC-A. GRCh37 (hg19) VCF-style: chr13-32929022-AC-A.
Other names: c.6937del, p.Gln2313fs (NM_001406719.1); c.7033del, p.Gln2345fs (NM_001406720.1, NM_001432077.1); c.2101del, p.Gln701fs (NM_001406721.1); c.616del, p.Gln206fs (NM_001406722.1); short protein forms Q2345fs, Q206fs, Q2313fs, Q701fs.
Identifiers: ClinVar variation 3726965 (VCV003726965.2).
Genomic context (GRCh38, chr13:32,354,885, plus strand): 5'-TAGTCAATAAACTTATATATTTTCTCCCCATTGCAGCACAACTAAGGAACGTCAAGAGAT[AC>A]AGAATCCAAATTTTACCGCACCTGGTCAAGAATTTCTGTCTAAATCTCATTTGTATGAAC-3'

ClinVar aggregate classification (germline): Pathogenic (1 of 4 stars; one submission).

Conditions:
Hereditary breast ovarian cancer syndrome. Also called: Hereditary breast and ovarian cancer syndrome; Hereditary breast and/or ovarian cancer syndrome; Hereditary breast and ovarian cancer; Hereditary breast and ovarian cancer syndrome (HBOC); Breast and ovarian cancer; BRCA1- and BRCA2-Associated Hereditary Breast and Ovarian Cancer. Identifiers: Orphanet 145, MedGen C0677776, MeSH D061325, MONDO:0003582. Disease mechanism: loss of function.

Submission:

Labcorp Genetics (formerly Invitae), Labcorp
Classification: Pathogenic for Hereditary breast ovarian cancer syndrome. Last evaluated: 2024-12-10. Review status: criteria provided, single submitter. Criteria: Invitae Variant Classification Sherloc (09022015). Collection method: clinical testing. Allele origin: germline.
Comment: This sequence change creates a premature translational stop signal (p.Gln2345Argfs*22) in the BRCA2 gene. It is expected to result in an absent or disrupted protein product. Loss-of-function variants in BRCA2 are known to be pathogenic (PMID: 20104584). This variant is not present in population databases (gnomAD no frequency). This variant has not been reported in the literature in individuals affected with BRCA2-related conditions. For these reasons, this variant has been classified as Pathogenic.

Literature cited by the submitters: PubMed 20104584.